The following is an entry in ClinVar:

ClinVar aggregate classification (germline): Pathogenic. Review status: criteria provided, multiple submitters, no conflicts (2 of 4 stars). 2 submissions from 2 submitters: Pathogenic (2). Last evaluated 2022-11-29.

Conditions:
Methylmalonic aciduria due to methylmalonyl-CoA mutase deficiency (MAMM). Also called: Methylmalonic aciduria, mut type. Identifiers: Orphanet 27, MedGen C1855114, MONDO:0009612, OMIM 251000.

Allele frequency attached by ClinVar (database versions not stated): gnomAD 0.00001; 1000 Genomes Project 30x 0.00016; 1000 Genomes Project 0.00020.
gnomAD v4.1: 1 of 1,611,998 alleles (0.000062%); highest among the groups gnomAD compares: East Asian, 0.0022%; no homozygotes.

Submissions (2):

Labcorp Genetics (formerly Invitae), Labcorp
Classification: Pathogenic. Last evaluated: 2022-11-29. Review status: criteria provided, single submitter. Criteria: Invitae Variant Classification Sherloc (09022015). Collection method: clinical testing. Allele origin: germline.
Comment: This sequence change replaces aspartic acid, which is acidic and polar, with glycine, which is neutral and non-polar, at codon 165 of the MUT protein (p.Asp165Gly). This variant is not present in population databases (gnomAD no frequency). This missense change has been observed in individuals with methylmalonic aciduria (PMID: 23430940, 26454439, 29731766, 31622506, 33413471). Advanced modeling of protein sequence and biophysical properties (such as structural, functional, and spatial information, amino acid conservation, physicochemical variation, residue mobility, and thermodynamic stability) performed at Invitae indicates that this missense variant is expected to disrupt MUT protein function. For these reasons, this variant has been classified as Pathogenic.

Juno Genomics, Hangzhou Juno Genomics, Inc
Classification: Pathogenic for Methylmalonic aciduria due to methylmalonyl-CoA mutase deficiency. Review status: criteria provided, single submitter. Criteria: ACMG Guidelines, 2015. Collection method: clinical testing. Allele origin: germline.
Comment: Absent from controls (or at extremely low frequency if recessive) in Genome Aggregation Database.;Multiple lines of computational evidence support a deleterious effect on the gene or gene product.;For recessive disorders, detected in trans with a pathogenic variant.;Patient's phenotype or family history is highly specific for a disease with a single genetic etiology.

Literature cited by the submitters: PubMed 23430940 (cited by Labcorp Genetics (formerly Invitae), Labcorp); PubMed 26454439 (cited by Labcorp Genetics (formerly Invitae), Labcorp); PubMed 29731766 (cited by Labcorp Genetics (formerly Invitae), Labcorp); PubMed 31622506 (cited by Labcorp Genetics (formerly Invitae), Labcorp); PubMed 33413471 (cited by Labcorp Genetics (formerly Invitae), Labcorp).

NM_000255.4(MMUT):c.494A>G (p.Asp165Gly)

Gene: MMUT (methylmalonyl-CoA mutase; minus strand). Cytogenetic location: 6p12.3.
Variant type: single nucleotide variant.
Coding change: c.494A>G on transcript NM_000255.4 (MANE Select); coding-DNA position 494, A replaced by G.
Protein change: p.Asp165Gly; replaces aspartic acid 165 with glycine.
Molecular consequence: missense variant.
Genome position (GRCh38, 1-based): chr6:49,457,950, T>C on the plus strand (A>G on the coding strand, the complement: MMUT is on the minus strand). VCF-style: chr6-49457950-T-C. GRCh37 (hg19) VCF-style: chr6-49425663-T-C.
Other names: short protein forms D165G.
Identifiers: ClinVar variation 2734896 (VCV002734896.5), dbSNP rs199668104, ClinGen allele CA138799926.